The following is an entry in ClinVar:

ClinVar aggregate classification (germline): Uncertain significance (1 of 4 stars; one submission).

Conditions:
Hereditary cancer-predisposing syndrome. Also called: Neoplastic Syndromes, Hereditary; Tumor predisposition; Hereditary neoplastic syndrome; Hereditary Cancer Syndrome. Identifiers: Orphanet 140162, MedGen C0027672, MeSH D009386, MONDO:0015356.

Allele frequency attached by ClinVar (database versions not stated): gnomAD exomes 0.00001.
gnomAD v4.1: 5 of 1,613,358 alleles (0.00031%); highest among the groups gnomAD compares: Non-Finnish European, 0.00042%; no homozygotes.

Submission:

Ambry Genetics
Classification: Uncertain significance for Hereditary cancer-predisposing syndrome. Last evaluated: 2024-05-06. Review status: criteria provided, single submitter. Criteria: Ambry Variant Classification Scheme 2023. Collection method: clinical testing. Allele origin: germline.
Comment: The p.A275T variant (also known as c.823G>A), located in coding exon 6 of the CDH1 gene, results from a G to A substitution at nucleotide position 823. The alanine at codon 275 is replaced by threonine, an amino acid with similar properties. This amino acid position is well conserved in available vertebrate species. In addition, this alteration is predicted to be tolerated by in silico analysis. Since supporting evidence is limited at this time, the clinical significance of this alteration remains unclear.

NM_004360.5(CDH1):c.823G>A (p.Ala275Thr)

Gene: CDH1 (cadherin 1; plus strand). Cytogenetic location: 16q22.1.
Variant type: single nucleotide variant.
Coding change: c.823G>A on transcript NM_004360.5 (MANE Select); coding-DNA position 823, G replaced by A.
Protein change: p.Ala275Thr; replaces alanine 275 with threonine.
Molecular consequence: missense variant. On other transcripts: 5 prime UTR variant (2).
Genome position (GRCh38, 1-based): chr16:68,810,332, G>A. VCF-style: chr16-68810332-G-A. GRCh37 (hg19) VCF-style: chr16-68844235-G-A.
Other names: c.823G>A, p.Ala275Thr (NM_001317184.2); c.-793G>A (NM_001317185.2); c.-997G>A (NM_001317186.2); short protein forms A275T.
Identifiers: ClinVar variation 827528 (VCV000827528.5), dbSNP rs1597892587, ClinGen allele CA396458974.